The following is an entry in ClinVar:

ClinVar aggregate classification (germline): Uncertain significance (1 of 4 stars; one submission).

Allele frequency attached by ClinVar (database versions not stated): ExAC 0.00001; gnomAD exomes 0.00001.
gnomAD v4.1: 4 of 1,614,204 alleles (0.00025%); highest among the groups gnomAD compares: Admixed American, 0.0033%; no homozygotes.

Submission:

Labcorp Genetics (formerly Invitae), Labcorp
Classification: Uncertain significance. Last evaluated: 2025-06-12. Review status: criteria provided, single submitter. Criteria: Invitae Variant Classification Sherloc (09022015). Collection method: clinical testing. Allele origin: germline.
Comment: This sequence change replaces alanine, which is neutral and non-polar, with valine, which is neutral and non-polar, at codon 422 of the TOP1MT protein (p.Ala422Val). This variant is present in population databases (rs774102132, gnomAD 0.003%). This variant has not been reported in the literature in individuals affected with TOP1MT-related conditions. ClinVar contains an entry for this variant (Variation ID: 2071354). Invitae Evidence Modeling of protein sequence and biophysical properties (such as structural, functional, and spatial information, amino acid conservation, physicochemical variation, residue mobility, and thermodynamic stability) indicates that this missense variant is not expected to disrupt TOP1MT protein function with a negative predictive value of 80%. In summary, the available evidence is currently insufficient to determine the role of this variant in disease. Therefore, it has been classified as a Variant of Uncertain Significance.

NM_052963.3(TOP1MT):c.1265C>T (p.Ala422Val)

Gene: TOP1MT (DNA topoisomerase I mitochondrial; minus strand). Cytogenetic location: 8q24.3.
Variant type: single nucleotide variant.
Coding change: c.1265C>T on transcript NM_052963.3 (MANE Select); coding-DNA position 1265, C replaced by T.
Protein change: p.Ala422Val; replaces alanine 422 with valine.
Molecular consequence: missense variant.
Genome position (GRCh38, 1-based): chr8:143,317,788, G>A on the plus strand (C>T on the coding strand, the complement: TOP1MT is on the minus strand). VCF-style: chr8-143317788-G-A. GRCh37 (hg19) VCF-style: chr8-144399958-G-A.
Other names: c.971C>T, p.Ala324Val (NM_001258446.1, NM_001258447.1); short protein forms A324V, A422V.
Identifiers: ClinVar variation 2071354 (VCV002071354.4), dbSNP rs774102132, ClinGen allele CA4908399.
Genomic context (GRCh38, chr8:143,317,788, plus strand): 5'-GTCAGGGCCCGCAGCTGCTCCTGCAGAGTGATGGAGGCGTTGTAGGTCCGGAACACCTTG[G>A]CCGTCAGCCCGTCCATCAGCTCCTGGAGGTGCTTGTTCAGGCTGGTCGTCTGGGGAGGAA-3'
Protein context (NP_443195.1, residues 412-432): HLQELMDGLT[Ala422Val]KVFRTYNASI